The following is an entry in ClinVar:

NM_002180.3(IGHMBP2):c.2011A>G (p.Thr671Ala)

Gene: IGHMBP2 (immunoglobulin mu DNA binding protein 2; plus strand). Cytogenetic location: 11q13.3.
Variant type: single nucleotide variant.
Coding change: c.2011A>G on transcript NM_002180.3 (MANE Select); coding-DNA position 2011, A replaced by G.
Protein change: p.Thr671Ala; replaces threonine 671 with alanine.
Molecular consequence: missense variant.
Genome position (GRCh38, 1-based): chr11:68,936,491, A>G. VCF-style: chr11-68936491-A-G. GRCh37 (hg19) VCF-style: chr11-68703959-A-G.
Other names: short protein forms T671A.
Identifiers: ClinVar variation 258566 (VCV000258566.40), dbSNP rs622082, ClinGen allele CA6153822.
Genomic context (GRCh38, chr11:68,936,491, plus strand): 5'-TATTCCCATGAGAACTCCCAGGGTTCCAGCCACGCTGCCACCAAGCCCCAGGGACCTGCT[A>G]CGTCCACCAGGACCGGAAGCCAGCGGCAGGAGGGAGGCCAGGAGGCTGCAGCACCTGCCA-3'
Protein context (NP_002171.2, residues 661-681): HAATKPQGPA[Thr671Ala]STRTGSQRQE

ClinVar aggregate classification (germline): Benign/Likely benign. Review status: criteria provided, multiple submitters, no conflicts (2 of 4 stars). 14 submissions from 14 submitters: Benign (10); Likely benign (1). 3 of the submissions do not count toward it. Last evaluated 2026-02-04.

Conditions:
Charcot-Marie-Tooth disease axonal type 2S. Also called: CHARCOT-MARIE-TOOTH DISEASE, AXONAL, AUTOSOMAL RECESSIVE, TYPE 2S; CHARCOT-MARIE-TOOTH NEUROPATHY, TYPE 2S. Identifiers: Orphanet 443073, MedGen C4015349, MONDO:0014511, OMIM 616155.
Autosomal recessive distal spinal muscular atrophy 1. Also called: HMN VI; NEURONOPATHY, SEVERE INFANTILE AXONAL, WITH RESPIRATORY FAILURE; NEURONOPATHY, DISTAL HEREDITARY MOTOR, HARDING TYPE VI; NEUROPATHY, DISTAL HEREDITARY MOTOR, AUTOSOMAL RECESSIVE 1; SEVERE INFANTILE AXONAL NEUROPATHY WITH RESPIRATORY FAILURE; SPINAL MUSCULAR ATROPHY, DIAPHRAGMATIC. Identifiers: Orphanet 98920, MedGen C1858517, MONDO:0011436, OMIM 604320.
Charcot-Marie-Tooth disease. Also called: Charcot-Marie-Tooth Hereditary Neuropathy; Charcot-Marie-Tooth Neuropathy. Identifiers: Orphanet 166, MedGen C0007959, MONDO:0015626.

Allele frequency attached by ClinVar (database versions not stated): gnomAD exomes 0.30046 and 0.29092; TOPMed 0.22477; gnomAD 0.24183 and 0.25016; 1000 Genomes Project 30x 0.24250; 1000 Genomes Project 0.24621; ESP Exome Variant Server 0.24677; ExAC 0.29883.
gnomAD v4.1: 476,672 of 1,613,488 alleles (30%); highest among the groups gnomAD compares: South Asian, 46%; 74,641 homozygotes.

Submissions (14):

Labcorp Genetics (formerly Invitae), Labcorp
Classification: Benign for Autosomal recessive distal spinal muscular atrophy 1; Charcot-Marie-Tooth disease axonal type 2S. Last evaluated: 2026-02-04. Review status: criteria provided, single submitter. Criteria: Invitae Variant Classification Sherloc (09022015). Collection method: clinical testing. Allele origin: germline.

ARUP Laboratories, Molecular Genetics and Genomics, ARUP Laboratories
Classification: Benign. Last evaluated: 2025-07-17. Review status: criteria provided, single submitter. Criteria: ARUP Molecular Germline Variant Investigation Process 2024. Collection method: clinical testing. Allele origin: germline.

Blueprint Genetics
Classification: Likely benign. Last evaluated: 2024-11-27. Review status: criteria provided, single submitter. Criteria: ACMG Guidelines, 2015. Collection method: clinical testing. Allele origin: germline.

Genome-Nilou Lab
Classification: Benign for Charcot-Marie-Tooth disease axonal type 2S. Last evaluated: 2021-08-10. Review status: criteria provided, single submitter. Criteria: ACMG Guidelines, 2015. Collection method: clinical testing. Allele origin: germline. Affected: no.

Athena Diagnostics
Classification: Benign. Last evaluated: 2021-05-03. Review status: criteria provided, single submitter. Criteria: Athena Diagnostics criteria. Collection method: clinical testing. Allele origin: unknown.

Illumina Laboratory Services, Illumina
Classification: Benign for Autosomal recessive distal spinal muscular atrophy 1. Last evaluated: 2018-01-13. Review status: criteria provided, single submitter. Criteria: ICSL Variant Classification Criteria 13 December 2019. Collection method: clinical testing. Allele origin: germline.
Comment: This variant was observed in the ICSL laboratory as part of a predisposition screen in an ostensibly healthy population. It had not been previously curated by ICSL or reported in the Human Gene Mutation Database (HGMD: prior to June 1st, 2018), and was therefore a candidate for classification through an automated scoring system. Utilizing variant allele frequency, disease prevalence and penetrance estimates, and inheritance mode, an automated score was calculated to assess if this variant is too frequent to cause the disease. Based on the score and internal cut-off values, a variant classified as benign is not then subjected to further curation. The score for this variant resulted in a classification of benign for this disease.

Mayo Clinic Laboratories, Mayo Clinic
Classification: Benign. Last evaluated: 2015-08-26. Review status: criteria provided, single submitter. Criteria: ACMG Guidelines, 2015. Collection method: clinical testing. Allele origin: germline. Observed: 1,006 variant alleles.

GeneDx
Classification: Benign. Last evaluated: 2015-03-03. Review status: criteria provided, single submitter. Criteria: GeneDx Variant Classification Process June 2021. Collection method: clinical testing. Allele origin: germline. Affected: yes.
Comment: This variant is associated with the following publications: (PMID: 29083408, 32640185)

Breakthrough Genomics
Classification: Benign. Review status: criteria provided, single submitter. Criteria: ACMG Guidelines, 2015. Collection method: not provided. Allele origin: germline. Inheritance: Autosomal recessive inheritance. Affected: yes.

Molecular Genetics Laboratory, London Health Sciences Centre
Classification: Benign for Charcot-Marie-Tooth disease. Review status: criteria provided, single submitter. Criteria: ACMG Guidelines, 2015. Collection method: clinical testing. Allele origin: germline. Affected: yes.

PreventionGenetics, part of Exact Sciences
Classification: Benign. Review status: criteria provided, single submitter. Criteria: ACMG Guidelines, 2015. Collection method: clinical testing. Allele origin: germline.

Clinical Genetics, Academic Medical Center
Classification: Benign. Review status: no assertion criteria provided. Collection method: clinical testing. Allele origin: germline. Affected: yes. Study: VKGL Data-share Consensus. Not counted in ClinVar's aggregate classification.

Diagnostic Laboratory, Department of Genetics, University Medical Center Groningen
Classification: Benign for Autosomal recessive distal spinal muscular atrophy 1. Review status: no assertion criteria provided. Collection method: clinical testing. Allele origin: germline. Affected: yes. Study: VKGL Data-share Consensus. Not counted in ClinVar's aggregate classification.

Joint Genome Diagnostic Labs from Nijmegen and Maastricht, Radboudumc and MUMC+
Classification: Benign. Review status: no assertion criteria provided. Collection method: clinical testing. Allele origin: germline. Affected: yes. Study: VKGL Data-share Consensus. Not counted in ClinVar's aggregate classification.